The following is an entry in ClinVar:

ClinVar aggregate classification (germline): Likely benign. Review status: criteria provided, multiple submitters, no conflicts (2 of 4 stars). 7 submissions from 7 submitters: Likely benign (5). 2 of the submissions do not count toward it. Last evaluated 2025-11-03.

Conditions:
Dilated cardiomyopathy 1G (CMD1G). Identifiers: Orphanet 154, MedGen C1858763, MONDO:0011400, OMIM 604145.
Autosomal recessive limb-girdle muscular dystrophy type 2J (LGMDR10). Also called: MUSCULAR DYSTROPHY, LIMB-GIRDLE, AUTOSOMAL RECESSIVE 10; Limb-girdle muscular dystrophy, type 2J. Identifiers: Orphanet 140922, MedGen C1837342, MONDO:0012127, OMIM 608807.
Cardiovascular phenotype. Identifiers: MedGen CN230736.

Allele frequency attached by ClinVar (database versions not stated): gnomAD 0.00001; TOPMed 0.00001; gnomAD exomes 0.00002 and 0.00006; ExAC 0.00004.
gnomAD v4.1: 37 of 1,613,420 alleles (0.0023%); highest among the groups gnomAD compares: Middle Eastern, 0.049%; no homozygotes.

Submissions (7):

Labcorp Genetics (formerly Invitae), Labcorp
Classification: Likely benign for Dilated cardiomyopathy 1G; Autosomal recessive limb-girdle muscular dystrophy type 2J. Last evaluated: 2025-11-03. Review status: criteria provided, single submitter. Criteria: Invitae Variant Classification Sherloc (09022015). Collection method: clinical testing. Allele origin: germline.

CeGaT Center for Human Genetics Tuebingen
Classification: Likely benign. Last evaluated: 2025-02-01. Review status: criteria provided, single submitter. Criteria: CeGaT Center For Human Genetics Tuebingen Variant Classification Criteria Version 2. Collection method: clinical testing. Allele origin: germline. Affected: yes. Observed: 6 variant alleles.
Comment: TTN: BP4, BP7

Blueprint Genetics
Classification: Likely benign. Last evaluated: 2024-01-04. Review status: criteria provided, single submitter. Criteria: ACMG Guidelines, 2015. Collection method: clinical testing. Allele origin: germline.

Ambry Genetics
Classification: Likely benign for Cardiovascular phenotype. Last evaluated: 2023-03-13. Review status: criteria provided, single submitter. Criteria: Ambry Variant Classification Scheme 2023. Collection method: clinical testing. Allele origin: germline.

GeneDx
Classification: Likely benign. Last evaluated: 2019-11-22. Review status: criteria provided, single submitter. Criteria: GeneDx Variant Classification Process June 2021. Collection method: clinical testing. Allele origin: germline. Affected: yes.

Clinical Genetics, Academic Medical Center
Classification: Benign. Review status: no assertion criteria provided. Collection method: clinical testing. Allele origin: germline. Affected: yes. Study: VKGL Data-share Consensus. Not counted in ClinVar's aggregate classification.

Diagnostic Laboratory, Department of Genetics, University Medical Center Groningen
Classification: Likely benign. Review status: no assertion criteria provided. Collection method: clinical testing. Allele origin: germline. Affected: yes. Study: VKGL Data-share Consensus. Not counted in ClinVar's aggregate classification.

NM_001267550.2(TTN):c.69630C>T (p.Tyr23210=)

Genes: TTN (titin; minus strand), TTN-AS1 (TTN antisense RNA 1; plus strand), LOC126806422 (BRD4-independent group 4 enhancer GRCh37_chr2:179440205-179441404; plus strand). Cytogenetic location: 2q31.2.
Variant type: single nucleotide variant.
Coding change: c.69630C>T on transcript NM_001267550.2 (MANE Select); coding-DNA position 69630, C replaced by T.
Protein change: p.Tyr23210=; no amino-acid change (tyrosine 23210 retained).
Molecular consequence: synonymous variant.
Genome position (GRCh38, 1-based): chr2:178,576,614, G>A on the plus strand (C>T on the coding strand, the complement: TTN is on the minus strand). VCF-style: chr2-178576614-G-A. GRCh37 (hg19) VCF-style: chr2-179441341-G-A.
Other names: c.64707C>T, p.Tyr21569= (NM_001256850.1); c.42435C>T, p.Tyr14145= (NM_003319.4); c.61926C>T, p.Tyr20642= (NM_133378.4); c.42810C>T, p.Tyr14270= (NM_133432.3); c.43011C>T, p.Tyr14337= (NM_133437.4).
Identifiers: ClinVar variation 378825 (VCV000378825.43), dbSNP rs777602537, ClinGen allele CA1990912.
Genomic context (GRCh38, chr2:178,576,614, plus strand): 5'-ATCTGAAGCCTCACTGGGTGGACCAATTCCTGCTCTGTTTTCTGCACTGACACGGAATTC[G>A]TAGGTGCTTCCTTCTTGCAGTCCTGTTACTTTGCACCTGAGATCGGAAACTGGTGTTTTT-3'
Protein context (NP_001254479.2, residues 23200-23220): KVTGLQEGST[Tyr23210=]EFRVSAENRA